The following is an entry in ClinVar:

NM_006231.4(POLE):c.3459G>A (p.Gln1153=)

Gene: POLE (DNA polymerase epsilon, catalytic subunit; minus strand). Cytogenetic location: 12q24.33.
Variant type: single nucleotide variant.
Coding change: c.3459G>A on transcript NM_006231.4 (MANE Select); coding-DNA position 3459, G replaced by A.
Protein change: p.Gln1153=; no amino-acid change (glutamine 1153 retained).
Molecular consequence: synonymous variant.
Genome position (GRCh38, 1-based): chr12:132,657,349, C>T on the plus strand (G>A on the coding strand, the complement: POLE is on the minus strand). VCF-style: chr12-132657349-C-T. GRCh37 (hg19) VCF-style: chr12-133233935-C-T.
Identifiers: ClinVar variation 405713 (VCV000405713.5), dbSNP rs1060500818, ClinGen allele CA16613810.

ClinVar aggregate classification (germline): Uncertain significance (1 of 4 stars; one submission).

Submission:

Labcorp Genetics (formerly Invitae), Labcorp
Classification: Uncertain significance. Last evaluated: 2022-08-06. Review status: criteria provided, single submitter. Criteria: Invitae Variant Classification Sherloc (09022015). Collection method: clinical testing. Allele origin: germline.
Comment: In summary, the available evidence is currently insufficient to determine the role of this variant in disease. Therefore, it has been classified as a Variant of Uncertain Significance. Variants that disrupt the consensus splice site are a relatively common cause of aberrant splicing (PMID: 17576681, 9536098). Algorithms developed to predict the effect of sequence changes on RNA splicing suggest that this variant is not likely to affect RNA splicing. ClinVar contains an entry for this variant (Variation ID: 405713). This variant has not been reported in the literature in individuals affected with POLE-related conditions. This variant is not present in population databases (gnomAD no frequency). This sequence change affects codon 1153 of the POLE mRNA. It is a 'silent' change, meaning that it does not change the encoded amino acid sequence of the POLE protein. This variant also falls at the last nucleotide of exon 28, which is part of the consensus splice site for this exon.

Literature cited by the submitters: PubMed 17576681; PubMed 9536098.